The following is an entry in ClinVar:

NM_020987.5(ANK3):c.12910C>T (p.Gln4304Ter)

Gene: ANK3 (ankyrin 3; minus strand). Cytogenetic location: 10q21.2.
Variant type: single nucleotide variant.
Coding change: c.12910C>T on transcript NM_020987.5 (MANE Select); coding-DNA position 12910, C replaced by T.
Protein change: p.Gln4304Ter; replaces glutamine 4304 with a stop codon.
Molecular consequence: nonsense.
Genome position (GRCh38, 1-based): chr10:60,055,813, G>A on the plus strand (C>T on the coding strand, the complement: ANK3 is on the minus strand). VCF-style: chr10-60055813-G-A. GRCh37 (hg19) VCF-style: chr10-61815571-G-A.
Other names: c.5380C>T, p.Gln1794Ter (NM_001320874.2); c.2782C>T, p.Gln928Ter (NM_001149.4); c.5362C>T, p.Gln1788Ter (NM_001204403.2); c.5383C>T, p.Gln1795Ter (NM_001204404.2); short protein forms Q1788*, Q1794*, Q1795*, Q4304*, Q928*.
Identifiers: ClinVar variation 4846809 (VCV004846809.1).

ClinVar aggregate classification (germline): Likely pathogenic (1 of 4 stars; one submission).

Conditions:
Intellectual developmental disorder, autosomal recessive 37. Also called: Intellectual disability-hypotonia-spasticity-sleep disorder syndrome. Identifiers: Orphanet 356996, MedGen C3809672, MONDO:0014210, OMIM 615493.

Submission:

Laboratorio de Genetica e Diagnostico Molecular, Hospital Israelita Albert Einstein
Classification: Likely pathogenic for Intellectual developmental disorder, autosomal recessive 37. Last evaluated: 2026-03-10. Review status: criteria provided, single submitter. Criteria: ACMG Guidelines, 2015. Collection method: clinical testing. Allele origin: germline. Affected: yes.
Comment: ACMG classification criteria: PVS1 very strong, PM2 supporting